The following is an entry in ClinVar:

NM_007294.4(BRCA1):c.5153G>C (p.Trp1718Ser)

Gene: BRCA1 (BRCA1 DNA repair associated; minus strand). Cytogenetic location: 17q21.31.
Variant type: single nucleotide variant.
Coding change: c.5153G>C on transcript NM_007294.4 (MANE Select); coding-DNA position 5153, G replaced by C.
Protein change: p.Trp1718Ser; replaces tryptophan 1718 with serine.
Molecular consequence: missense variant. On other transcripts: non-coding transcript variant (1).
Genome position (GRCh38, 1-based): chr17:43,063,373, C>G on the plus strand (G>C on the coding strand, the complement: BRCA1 is on the minus strand). VCF-style: chr17-43063373-C-G. GRCh37 (hg19) VCF-style: chr17-41215390-C-G.
Other names: NM_007294.4(BRCA1):c.5153G>C; p.Trp1718Ser; c.5150G>C, p.Trp1717Ser (NM_001407615.1, NM_001407616.1, NM_001407617.1 and 17 more transcripts); c.5147G>C, p.Trp1716Ser (NM_001407634.1, NM_001407635.1, NM_001407636.1 and 14 more transcripts); c.5144G>C, p.Trp1715Ser (NM_001407644.1, NM_001407645.1); c.5027G>C, p.Trp1676Ser (NM_001407675.1, NM_001407676.1, NM_001407677.1 and 10 more transcripts); c.5024G>C, p.Trp1675Ser (NM_001407681.1, NM_001407682.1, NM_001407683.1 and 6 more transcripts); c.5153G>C, p.Trp1718Ser (NM_001407684.1, NM_001407593.1, NM_001407594.1 and 7 more transcripts); and 75 more; short protein forms W1718S, W1671S, W1739S, W614S, G1650A, W1422S, W1549S, W1629S.
Identifiers: ClinVar variation 55433 (VCV000055433.18), dbSNP rs41293461, ClinGen allele CA003305.

ClinVar aggregate classification (germline): Uncertain significance. Review status: reviewed by expert panel (3 of 4 stars). 5 submissions from 5 submitters: Uncertain significance (1). 4 of the submissions do not count toward it. Last evaluated 2026-03-18.

Conditions:
BRCA1-related cancer predisposition. Identifiers: MedGen CN377757, MONDO:0700268.
Hereditary breast ovarian cancer syndrome. Also called: BRCA1- and BRCA2-Associated Hereditary Breast and Ovarian Cancer; Hereditary breast and ovarian cancer syndrome; Hereditary breast and ovarian cancer syndrome (HBOC); Breast and ovarian cancer; Hereditary breast and/or ovarian cancer syndrome; Hereditary breast and ovarian cancer. Identifiers: Orphanet 145, MedGen C0677776, MeSH D061325, MONDO:0003582. Disease mechanism: loss of function.
Breast-ovarian cancer, familial, susceptibility to, 1 (BROVCA1). Also called: BRCA1 Hereditary Breast and Ovarian Cancer; OVARIAN CANCER, SUSCEPTIBILITY TO. Identifiers: Orphanet 145, MedGen C2676676, MONDO:0011450, OMIM 604370. Disease mechanism: loss of function.

Submissions (6):

ClinGen ENIGMA BRCA1 and BRCA2 Variant Curation Expert Panel, ClinGen
Classification: Uncertain significance for BRCA1-related cancer predisposition. Last evaluated: 2026-03-18. Review status: reviewed by expert panel. Criteria: CSpec BRCA1/2ACMG Rules Specifications V1.2. Collection method: curation. Allele origin: germline. Inheritance: Autosomal dominant inheritance.
Comment: The c.5153G>C variant in BRCA1 is a missense variant predicted to cause substitution of Tryptophan by Serine at amino acid 1718 (p.(Trp1718Ser)). This variant is absent from gnomAD v2.1 (exomes only, non-cancer subset, read depth ≥25) and gnomAD v3.1 (non-cancer subset, read depth ≥25) (PM2_Supporting met). This BRCA1 missense variant is within a key functional domain and the computational predictor BayesDel (noAF) gives a score of 0.52, above the recommended threshold of 0.28 for prediction of impact on BRCA1 function via protein change. A SpliceAI score of 0.14 indicates an unclear predicted impact on splicing (score threshold 0.10-0.20) (PP3 met). Reported by two or more calibrated studies with discordant results. Functional effect similar to pathogenic control variants (PMID:38709234) and between what was observed for benign and pathogenic control variants (PMID:30209399) (PS3 and BS3 not met). mRNA experimental analysis indicates no impact on splicing (PMID: 25724305) but is not applied as strong evidence against pathogenicity since missense impact has not yet been excluded (BP7_Strong (RNA) not met). Multifactorial likelihood ratio analysis using clinically calibrated data produced a combined LR for this variant of 3.32 (based on Co-occurrence LR=1.03; Family History LR=3.22), within the thresholds for supporting evidence towards pathogenicity (LR >2.08 & ≤4.3) (PP4 met; Internal lab contributor). In summary, this variant meets the criteria to be classified as a Variant of uncertain significance for BRCA1-related cancer predisposition based on the ACMG/AMP criteria applied as specified by the ENIGMA BRCA1/2 VCEP (PM2_Supporting, PP3, PP4).

Cancer Variant Interpretation Group UK, Institute of Cancer Research, London
Classification: Likely pathogenic for Hereditary Breast and Ovarian Cancer. Last evaluated: 2020-01-16. Review status: criteria provided, single submitter. Criteria: ACMG Guidelines, 2015. Collection method: clinical testing. Allele origin: germline. Affected: yes. Observed: 1 variant allele. Not counted in ClinVar's aggregate classification.
Comment: Data included in classification: The variant is absent from population data and has not been reported by UK laboratories. In silico prediction shows a deleterious effect. This variant does not alter splicing (Ahlborn et al 2015), but has been shown in multiple functional studies (Lee et al 2010, Woods 2016 and Findlay et al. 2018) to exhibit functionally abnormal effect. Another variant at the same codon - c.5154G>T (p.Trp1718Cys) - demomstrates similar deleterious effect, and is reported in ClinVar as likely pathogenic.

Labcorp Genetics (formerly Invitae), Labcorp
Classification: Uncertain significance for Hereditary breast ovarian cancer syndrome. Last evaluated: 2019-12-17. Review status: criteria provided, single submitter. Criteria: Invitae Variant Classification Sherloc (09022015). Collection method: clinical testing. Allele origin: germline. Not counted in ClinVar's aggregate classification.
Comment: Experimental studies have shown that this variant does not affect mRNA splicing (PMID: 25724305). This variant has been reported to affect BRCA1 protein function (PMID: 20516115, 30209399). In addition, an algorithm developed specifically for the BRCA1 gene suggests that this missense change is likely to be deleterious (PMID: 28781887). This variant has been observed in individual(s) with breast cancer (PMID: 28637432). ClinVar contains an entry for this variant (Variation ID: 55433). This variant is not present in population databases (ExAC no frequency). This sequence change replaces tryptophan with serine at codon 1718 of the BRCA1 protein (p.Trp1718Ser). The tryptophan residue is highly conserved and there is a large physicochemical difference between tryptophan and serine. This variant disrupts the p.Trp1718 amino acid residue in BRCA1. Other variant(s) that disrupt this residue have been determined to be pathogenic (PMID: 15172985, 16528612, 20516115, 12491487, 23683081). This suggests that this residue is clinically significant, and that variants that disrupt this residue are likely to be disease-causing. In summary, the available evidence is currently insufficient to determine the role of this variant in disease. Therefore, it has been classified as a Variant of Uncertain Significance.

Department of Medical Genetics, Oslo University Hospital
Classification: Likely pathogenic for Breast-ovarian cancer, familial, susceptibility to, 1. Last evaluated: 2015-08-04. Review status: criteria provided, single submitter. Criteria: ACMG Guidelines, 2015. Collection method: clinical testing. Allele origin: germline. Affected: yes. Observed: 5 variant alleles. Not counted in ClinVar's aggregate classification.

Breast Cancer Information Core (BIC) (BRCA1)
Classification: Uncertain significance for Breast-ovarian cancer, familial 1. Last evaluated: 2002-05-29. Review status: no assertion criteria provided. Collection method: clinical testing. Allele origin: germline. Affected: yes. Observed: 1 variant allele. Not counted in ClinVar's aggregate classification.

Brotman Baty Institute, University of Washington
No classification provided (evidence only). Condition: Breast-ovarian cancer, familial 1. Review status: no classification provided. Collection method: in vitro. Allele origin: not applicable. Functional consequence: function_uncertain_variant. Not counted in ClinVar's aggregate classification.
ClinVar note: "not provided" was previously submitted as the classification for the variant. However, the classification appeared to be based only on an observation of functional data so it was converted to no classification on 2025-07-30.

Literature cited by the submitters: PubMed 25724305 (cited by Labcorp Genetics (formerly Invitae), Labcorp); PubMed 20516115 (cited by Labcorp Genetics (formerly Invitae), Labcorp); PubMed 30209399 (cited by Labcorp Genetics (formerly Invitae), Labcorp); PubMed 28781887 (cited by Labcorp Genetics (formerly Invitae), Labcorp); PubMed 28637432 (cited by Labcorp Genetics (formerly Invitae), Labcorp); PubMed 15172985 (cited by Labcorp Genetics (formerly Invitae), Labcorp); PubMed 16528612 (cited by Labcorp Genetics (formerly Invitae), Labcorp); PubMed 12491487 (cited by Labcorp Genetics (formerly Invitae), Labcorp); PubMed 23683081 (cited by Labcorp Genetics (formerly Invitae), Labcorp).